The following is an entry in ClinVar:

ClinVar aggregate classification (germline): Uncertain significance. Review status: criteria provided, multiple submitters, no conflicts (2 of 4 stars). 2 submissions from 2 submitters: Uncertain significance (2). Last evaluated 2025-09-24.

Conditions:
C1QTNF5-related disorder. Also called: C1QTNF5-related condition.

gnomAD v4.1: 4 of 1,602,726 alleles (0.00025%); highest among the groups gnomAD compares: African/African-American, 0.0013%; no homozygotes.

Submissions (2):

PreventionGenetics, part of Exact Sciences
Classification: Uncertain significance for C1QTNF5-related condition. Last evaluated: 2025-09-24. Review status: criteria provided, single submitter. Criteria: ACMG Guidelines, 2015. Collection method: clinical testing. Allele origin: germline.
Comment: The C1QTNF5 c.346C>T variant is predicted to result in the amino acid substitution p.Pro116Ser. To our knowledge, this variant has not been reported in the literature or in a large population database (gnomAD), indicating this variant is rare. At this time, the clinical significance of this variant is uncertain due to the absence of conclusive functional and genetic evidence.

Labcorp Genetics (formerly Invitae), Labcorp
Classification: Uncertain significance. Last evaluated: 2024-05-20. Review status: criteria provided, single submitter. Criteria: Invitae Variant Classification Sherloc (09022015). Collection method: clinical testing. Allele origin: germline.
Comment: This sequence change replaces proline, which is neutral and non-polar, with serine, which is neutral and polar, at codon 116 of the C1QTNF5 protein (p.Pro116Ser). This variant is not present in population databases (gnomAD no frequency). This variant has not been reported in the literature in individuals affected with C1QTNF5-related conditions. An algorithm developed to predict the effect of missense changes on protein structure and function (PolyPhen-2) suggests that this variant is likely to be tolerated. In summary, the available evidence is currently insufficient to determine the role of this variant in disease. Therefore, it has been classified as a Variant of Uncertain Significance.

NM_001278431.2(C1QTNF5):c.346C>T (p.Pro116Ser)

Genes: C1QTNF5 (C1q and TNF related 5; minus strand), MFRP (membrane frizzled-related protein; minus strand). Cytogenetic location: 11q23.3.
Variant type: single nucleotide variant.
Coding change: c.346C>T on transcript NM_001278431.2 (MANE Select); coding-DNA position 346, C replaced by T.
Protein change: p.Pro116Ser; replaces proline 116 with serine.
Molecular consequence: missense variant. On other transcripts: 3 prime UTR variant (1).
Genome position (GRCh38, 1-based): chr11:119,339,717, G>A on the plus strand (C>T on the coding strand, the complement: C1QTNF5 is on the minus strand). VCF-style: chr11-119339717-G-A. GRCh37 (hg19) VCF-style: chr11-119210427-G-A.
Other names: c.346C>T (NM_001278431.1); c.346C>T, p.Pro116Ser (NM_015645.5); c.*1242C>T (NM_031433.4); short protein forms P116S.
Identifiers: ClinVar variation 3606262 (VCV003606262.3).
Genomic context (GRCh38, chr11:119,339,717, plus strand): 5'-AATGTCCCTGCTCGTTCACCAGCACGCGGTCGAAGGGCAAGGGTGCGTCAGACGGCGGAG[G>A]CACCCGGCTCTCGGAGCGCTTGGCGCTGAAGGCGGATCGCGGAGGCACCGAGCACTCCCC-3'
Protein context (NP_001265360.1, residues 106-126): FSAKRSESRV[Pro116Ser]PPSDAPLPFD